The following is an entry in ClinVar:

NM_152419.3(HGSNAT):c.951G>C (p.Arg317Ser)

Gene: HGSNAT (heparan-alpha-glucosaminide N-acetyltransferase; plus strand). Cytogenetic location: 8p11.21.
Variant type: single nucleotide variant.
Coding change: c.951G>C on transcript NM_152419.3 (MANE Select); coding-DNA position 951, G replaced by C.
Protein change: p.Arg317Ser; replaces arginine 317 with serine.
Molecular consequence: missense variant. On other transcripts: intron variant (1).
Genome position (GRCh38, 1-based): chr8:43,178,173, G>C. VCF-style: chr8-43178173-G-C. GRCh37 (hg19) VCF-style: chr8-43033316-G-C.
Other names: c.951G>C, p.Arg317Ser (NM_001363227.2); c.87G>C, p.Arg29Ser (NM_001363229.2); c.821-3972G>C (NM_001363228.2); short protein forms R29S, R317S.
Identifiers: ClinVar variation 1333581 (VCV001333581.1), dbSNP rs2130766469, ClinGen allele CA371117238.

ClinVar aggregate classification (germline): Uncertain significance (1 of 4 stars; one submission).

Conditions:
Retinitis pigmentosa 73 (RP73). Identifiers: Orphanet 791, MedGen C4225287, MONDO:0014687, OMIM 616544.

Submission:

3billion
Classification: Uncertain significance for Retinitis pigmentosa 73. Last evaluated: 2022-01-03. Review status: criteria provided, single submitter. Criteria: ACMG Guidelines, 2015. Collection method: clinical testing. Allele origin: germline. Affected: yes. Observed: 1 homozygote.
Comment: The variant is not observed in the gnomAD v2.1.1 dataset (PM2_M). In silico tool predictions suggest damaging effect of the variant on gene or gene product (REVEL: 0.918, 3CNET: 0.952, PP3_P). Therefore, this variant is classified as uncertain significance according to the recommendation of ACMG/AMP guideline.